The following is an entry in ClinVar:

ClinVar aggregate classification (germline): Uncertain significance (1 of 4 stars; one submission).

Conditions:
Inborn genetic diseases. Identifiers: MedGen C0950123, MeSH D030342.

Submission:

Ambry Genetics
Classification: Uncertain significance for Inborn genetic diseases. Last evaluated: 2025-03-17. Review status: criteria provided, single submitter. Criteria: Ambry Variant Classification Scheme 2023. Collection method: clinical testing. Allele origin: germline.
Comment: The c.10704G>T (p.T3568T) alteration is located in exon 13 (coding exon 13) of the SPEN gene. This alteration consists of a G to T substitution at nucleotide position 10704. This nucleotide substitution does not change the amino acid at codon 3568. However, this change occurs in the last base pair of coding exon 13, which makes it likely to have some effect on normal mRNA splicing. This variant was not reported in population-based cohorts in the Genome Aggregation Database (gnomAD). This nucleotide position is well conserved in available vertebrate species. In silico splice site analysis predicts that this alteration will weaken the native splice donor site and will result in the creation or strengthening of a novel splice donor site. Based on insufficient or conflicting evidence, the clinical significance of this alteration remains unclear.

NM_015001.3(SPEN):c.10704G>T (p.Thr3568=)

Gene: SPEN (spen family transcriptional repressor; plus strand). Cytogenetic location: 1p36.13.
Variant type: single nucleotide variant.
Coding change: c.10704G>T on transcript NM_015001.3 (MANE Select); coding-DNA position 10704, G replaced by T.
Protein change: p.Thr3568=; no amino-acid change (threonine 3568 retained).
Molecular consequence: synonymous variant.
Genome position (GRCh38, 1-based): chr1:15,938,006, G>T. VCF-style: chr1-15938006-G-T. GRCh37 (hg19) VCF-style: chr1-16264501-G-T.
Identifiers: ClinVar variation 3960947 (VCV003960947.1).